The following is an entry in ClinVar:

NM_004646.4(NPHS1):c.219C>T (p.Pro73=)

Genes: NPHS1 (NPHS1 adhesion molecule, nephrin; minus strand), KIRREL2 (kirre like nephrin family adhesion molecule 2; plus strand). Cytogenetic location: 19q13.12.
Variant type: single nucleotide variant.
Coding change: c.219C>T on transcript NM_004646.4 (MANE Select); coding-DNA position 219, C replaced by T.
Protein change: p.Pro73=; no amino-acid change (proline 73 retained).
Molecular consequence: synonymous variant.
Genome position (GRCh38, 1-based): chr19:35,851,512, G>A on the plus strand (C>T on the coding strand, the complement: NPHS1 is on the minus strand). VCF-style: chr19-35851512-G-A. GRCh37 (hg19) VCF-style: chr19-36342414-G-A.
Identifiers: ClinVar variation 727772 (VCV000727772.14), dbSNP rs115599462, ClinGen allele CA9390880.

ClinVar aggregate classification (germline): Likely benign. Review status: criteria provided, single submitter (1 of 4 stars). 3 submissions from 3 submitters: Likely benign (1). 2 of the submissions do not count toward it. Last evaluated 2026-01-11.

Conditions:
NPHS1-related disorder. Also called: NPHS1-related condition.
Finnish congenital nephrotic syndrome (NPHS1). Also called: NEPHROTIC SYNDROME, TYPE 1. Identifiers: Orphanet 839, MedGen C0403399, MONDO:0009732, OMIM 256300.

Allele frequency attached by ClinVar (database versions not stated): gnomAD exomes 0.00015 and 0.00035; ExAC 0.00018; TOPMed 0.00023; gnomAD 0.00025 and 0.00026; 1000 Genomes Project 30x 0.00031; ESP Exome Variant Server 0.00031; 1000 Genomes Project 0.00040.
gnomAD v4.1: 539 of 1,613,654 alleles (0.033%); highest among the groups gnomAD compares: Non-Finnish European, 0.042%; no homozygotes.

Submissions (3):

Labcorp Genetics (formerly Invitae), Labcorp
Classification: Likely benign. Last evaluated: 2026-01-11. Review status: criteria provided, single submitter. Criteria: Invitae Variant Classification Sherloc (09022015). Collection method: clinical testing. Allele origin: germline.

PreventionGenetics, part of Exact Sciences
Classification: Likely benign for NPHS1-related condition. Last evaluated: 2022-04-19. Review status: no assertion criteria provided. Collection method: clinical testing. Allele origin: germline. Not counted in ClinVar's aggregate classification.
Comment: This variant is classified as likely benign based on ACMG/AMP sequence variant interpretation guidelines (Richards et al. 2015 PMID: 25741868, with internal and published modifications).

Natera, Inc.
Classification: Uncertain significance for Finnish congenital nephrotic syndrome. Last evaluated: 2020-01-24. Review status: no assertion criteria provided. Collection method: clinical testing. Allele origin: germline. Not counted in ClinVar's aggregate classification.